The following is an entry in ClinVar:

NM_001365999.1(SZT2):c.6060G>A (p.Ala2020=)

Gene: SZT2 (SZT2 subunit of KICSTOR complex; plus strand). Cytogenetic location: 1p34.2.
Variant type: single nucleotide variant.
Coding change: c.6060G>A on transcript NM_001365999.1 (MANE Select); coding-DNA position 6060, G replaced by A.
Protein change: p.Ala2020=; no amino-acid change (alanine 2020 retained).
Molecular consequence: synonymous variant.
Genome position (GRCh38, 1-based): chr1:43,437,196, G>A. VCF-style: chr1-43437196-G-A. GRCh37 (hg19) VCF-style: chr1-43902867-G-A.
Other names: c.5889G>A, p.Ala1963= (NM_015284.4).
Identifiers: ClinVar variation 697838 (VCV000697838.37), dbSNP rs141635115, ClinGen allele CA809791.
Genomic context (GRCh38, chr1:43,437,196, plus strand): 5'-TGTCCCATTTCTAATCCCTGCTCCCCCTCACCCAGATTATGCTGCTGATGAGAGCTGTGC[G>A]CCCCGTGGGTACCTGGCAGCCACAATGCAGTTTGTCCCTGGCCATTTCTCCTGTGACGTT-3'
Protein context (NP_001352928.1, residues 2010-2030): SDDYAADESC[Ala2020=]PRGYLAATMQ

ClinVar aggregate classification (germline): Likely benign. Review status: criteria provided, multiple submitters, no conflicts (2 of 4 stars). 5 submissions from 5 submitters: Likely benign (5). Last evaluated 2025-04-14.

Conditions:
Inborn genetic diseases. Identifiers: MedGen C0950123, MeSH D030342.
Developmental and epileptic encephalopathy, 18 (DEE18). Also called: Early infantile epileptic encephalopathy 18. Identifiers: Orphanet 369894, MedGen C3809624, MONDO:0014201, OMIM 615476.

Allele frequency attached by ClinVar (database versions not stated): gnomAD 0.00003; ExAC 0.00007; TOPMed 0.00008; gnomAD exomes 0.00009 and 0.00010; ESP Exome Variant Server 0.00015.
gnomAD v4.1: 144 of 1,614,048 alleles (0.0089%); highest among the groups gnomAD compares: Admixed American, 0.027%; no homozygotes.

Submissions (5):

Labcorp Genetics (formerly Invitae), Labcorp
Classification: Likely benign. Last evaluated: 2025-04-14. Review status: criteria provided, single submitter. Criteria: Invitae Variant Classification Sherloc (09022015). Collection method: clinical testing. Allele origin: germline.

CeGaT Center for Human Genetics Tuebingen
Classification: Likely benign. Last evaluated: 2023-10-01. Review status: criteria provided, single submitter. Criteria: CeGaT Center For Human Genetics Tuebingen Variant Classification Criteria Version 2. Collection method: clinical testing. Allele origin: germline. Affected: yes. Observed: 1 variant allele.
Comment: SZT2: BP4, BP7

Blueprint Genetics
Classification: Likely benign. Last evaluated: 2023-06-28. Review status: criteria provided, single submitter. Criteria: ACMG Guidelines, 2015. Collection method: clinical testing. Allele origin: germline.

Genome-Nilou Lab
Classification: Likely benign for Developmental and epileptic encephalopathy, 18. Last evaluated: 2023-04-11. Review status: criteria provided, single submitter. Criteria: ACMG Guidelines, 2015. Collection method: clinical testing. Allele origin: germline. Affected: no.

Ambry Genetics
Classification: Likely benign for Inborn genetic diseases. Last evaluated: 2017-11-29. Review status: criteria provided, single submitter. Criteria: Ambry Variant Classification Scheme 2023. Collection method: clinical testing. Allele origin: germline.